The following is an entry in ClinVar:

ClinVar aggregate classification (germline): Uncertain significance. Review status: criteria provided, multiple submitters, no conflicts (2 of 4 stars). 2 submissions from 2 submitters: Uncertain significance (2). Last evaluated 2022-11-29.

Conditions:
Periventricular nodular heterotopia 7 (PVNH7). Identifiers: MedGen C4310669, MONDO:0014966, OMIM 617201.

Allele frequency attached by ClinVar (database versions not stated): gnomAD 0.00001; gnomAD exomes 0.00001; TOPMed 0.00001.
gnomAD v4.1: 8 of 1,611,358 alleles (0.0005%); highest among the groups gnomAD compares: Admixed American, 0.0033%; no homozygotes.

Submissions (2):

Labcorp Genetics (formerly Invitae), Labcorp
Classification: Uncertain significance. Last evaluated: 2022-11-29. Review status: criteria provided, single submitter. Criteria: Invitae Variant Classification Sherloc (09022015). Collection method: clinical testing. Allele origin: germline.
Comment: Advanced modeling of protein sequence and biophysical properties (such as structural, functional, and spatial information, amino acid conservation, physicochemical variation, residue mobility, and thermodynamic stability) performed at Invitae indicates that this missense variant is not expected to disrupt NEDD4L protein function. ClinVar contains an entry for this variant (Variation ID: 654299). This variant has not been reported in the literature in individuals affected with NEDD4L-related conditions. This variant is present in population databases (no rsID available, gnomAD 0.003%). This sequence change replaces arginine, which is basic and polar, with glutamine, which is neutral and polar, at codon 492 of the NEDD4L protein (p.Arg492Gln). In summary, the available evidence is currently insufficient to determine the role of this variant in disease. Therefore, it has been classified as a Variant of Uncertain Significance.

Fulgent Genetics
Classification: Uncertain significance for Periventricular nodular heterotopia 7. Last evaluated: 2021-07-21. Review status: criteria provided, single submitter. Criteria: ACMG Guidelines, 2015. Collection method: clinical testing. Allele origin: unknown.

NM_001144967.3(NEDD4L):c.1535G>A (p.Arg512Gln)

Gene: NEDD4L (NEDD4 like E3 ubiquitin protein ligase; plus strand). Cytogenetic location: 18q21.31.
Variant type: single nucleotide variant.
Coding change: c.1535G>A on transcript NM_001144967.3 (MANE Select); coding-DNA position 1535, G replaced by A.
Protein change: p.Arg512Gln; replaces arginine 512 with glutamine.
Molecular consequence: missense variant.
Genome position (GRCh38, 1-based): chr18:58,343,063, G>A. VCF-style: chr18-58343063-G-A. GRCh37 (hg19) VCF-style: chr18-56010295-G-A.
Other names: c.1172G>A, p.Arg391Gln (NM_001144964.1, NM_001144965.2, NM_001144966.3); c.1511G>A, p.Arg504Gln (NM_001144968.2); c.1451G>A, p.Arg484Gln (NM_001144969.2); c.1112G>A, p.Arg371Gln (NM_001144970.3, NM_001144971.2); c.1343G>A, p.Arg448Gln (NM_001243960.2); c.1475G>A, p.Arg492Gln (NM_015277.6); short protein forms R391Q, R504Q, R448Q, R512Q, R371Q, R484Q, R492Q.
Identifiers: ClinVar variation 654299 (VCV000654299.9), dbSNP rs1365042367, ClinGen allele CA402537521.